The following is an entry in ClinVar:

NM_004525.3(LRP2):c.4621A>C (p.Ser1541Arg)

Gene: LRP2 (LDL receptor related protein 2; minus strand). Cytogenetic location: 2q31.1.
Variant type: single nucleotide variant.
Coding change: c.4621A>C on transcript NM_004525.3 (MANE Select); coding-DNA position 4621, A replaced by C.
Protein change: p.Ser1541Arg; replaces serine 1541 with arginine.
Molecular consequence: missense variant.
Genome position (GRCh38, 1-based): chr2:169,237,173, T>G on the plus strand (A>C on the coding strand, the complement: LRP2 is on the minus strand). VCF-style: chr2-169237173-T-G. GRCh37 (hg19) VCF-style: chr2-170093683-T-G.
Other names: c.4621A>C (NM_004525.2); short protein forms S1541R.
Identifiers: ClinVar variation 1935615 (VCV001935615.3), dbSNP rs1689637569, ClinGen allele CA349143332.

ClinVar aggregate classification (germline): Uncertain significance. Review status: criteria provided, multiple submitters, no conflicts (2 of 4 stars). 2 submissions from 2 submitters: Uncertain significance (2). Last evaluated 2025-12-16.

Conditions:
Inborn genetic diseases. Identifiers: MedGen C0950123, MeSH D030342.

Allele frequency attached by ClinVar (database versions not stated): gnomAD exomes below 0.00001; gnomAD 0.00001; TOPMed 0.00003.
gnomAD v4.1: 3 of 1,613,902 alleles (0.00019%); highest among the groups gnomAD compares: Non-Finnish European, 0.00025%; no homozygotes.

Submissions (2):

Ambry Genetics
Classification: Uncertain significance for Inborn genetic diseases. Last evaluated: 2025-12-16. Review status: criteria provided, single submitter. Criteria: Ambry Variant Classification Scheme 2023. Collection method: clinical testing. Allele origin: germline.

Labcorp Genetics (formerly Invitae), Labcorp
Classification: Uncertain significance. Last evaluated: 2022-04-09. Review status: criteria provided, single submitter. Criteria: Invitae Variant Classification Sherloc (09022015). Collection method: clinical testing. Allele origin: germline.
Comment: This sequence change replaces serine, which is neutral and polar, with arginine, which is basic and polar, at codon 1541 of the LRP2 protein (p.Ser1541Arg). This variant is not present in population databases (gnomAD no frequency). This variant has not been reported in the literature in individuals affected with LRP2-related conditions. Algorithms developed to predict the effect of missense changes on protein structure and function are either unavailable or do not agree on the potential impact of this missense change (SIFT: "Deleterious"; PolyPhen-2: "Benign"; Align-GVGD: "Class C15"). In summary, the available evidence is currently insufficient to determine the role of this variant in disease. Therefore, it has been classified as a Variant of Uncertain Significance.